The following is an entry in ClinVar:

ClinVar aggregate classification (germline): Conflicting classifications of pathogenicity. Review status: criteria provided, conflicting classifications (1 of 4 stars). 4 submissions from 4 submitters: Uncertain significance (3); Likely benign (1). Last evaluated 2025-01-20.

Conditions:
Hereditary cancer-predisposing syndrome. Also called: Neoplastic Syndromes, Hereditary; Tumor predisposition; Hereditary Cancer Syndrome; Hereditary neoplastic syndrome. Identifiers: Orphanet 140162, MedGen C0027672, MeSH D009386, MONDO:0015356.
Familial cancer of breast. Also called: BREAST CANCER, FAMILIAL; Hereditary breast cancer; hereditary breast carcinoma. Identifiers: Orphanet 227535, MedGen C0346153, MONDO:0016419, OMIM 114480. Disease mechanism: loss of function.

gnomAD v4.1: 3 of 1,613,822 alleles (0.00019%); highest among the groups gnomAD compares: East Asian, 0.0022%; no homozygotes.

Submissions (4):

Labcorp Genetics (formerly Invitae), Labcorp
Classification: Uncertain significance for Familial cancer of breast. Last evaluated: 2025-01-20. Review status: criteria provided, single submitter. Criteria: Invitae Variant Classification Sherloc (09022015). Collection method: clinical testing. Allele origin: germline.
Comment: This sequence change replaces glutamic acid, which is acidic and polar, with glutamine, which is neutral and polar, at codon 837 of the PALB2 protein (p.Glu837Gln). This variant is not present in population databases (gnomAD no frequency). This variant has not been reported in the literature in individuals affected with PALB2-related conditions. ClinVar contains an entry for this variant (Variation ID: 482038). Invitae Evidence Modeling of protein sequence and biophysical properties (such as structural, functional, and spatial information, amino acid conservation, physicochemical variation, residue mobility, and thermodynamic stability) indicates that this missense variant is not expected to disrupt PALB2 protein function with a negative predictive value of 80%. In summary, the available evidence is currently insufficient to determine the role of this variant in disease. Therefore, it has been classified as a Variant of Uncertain Significance.

Ambry Genetics
Classification: Likely benign for Hereditary cancer-predisposing syndrome. Last evaluated: 2024-03-28. Review status: criteria provided, single submitter. Criteria: Ambry Variant Classification Scheme 2023. Collection method: clinical testing. Allele origin: germline.

GeneDx
Classification: Uncertain significance. Last evaluated: 2023-12-11. Review status: criteria provided, single submitter. Criteria: GeneDx Variant Classification Process June 2021. Collection method: clinical testing. Allele origin: germline. Affected: yes.
Comment: Not observed at significant frequency in large population cohorts (gnomAD); In silico analysis supports that this missense variant does not alter protein structure/function; Has not been previously published as pathogenic or benign to our knowledge; This variant is associated with the following publications: (PMID: 24485656, 19609323)

Color Diagnostics, LLC DBA Color Health
Classification: Uncertain significance for Hereditary cancer-predisposing syndrome. Last evaluated: 2020-11-08. Review status: criteria provided, single submitter. Criteria: ACMG Guidelines, 2015. Collection method: clinical testing. Allele origin: germline.
Comment: This missense variant replaces glutamic acid with glutamine at codon 837 of the PALB2 protein. Computational prediction tools and conservation analyses suggest that this variant may not impact the protein function. Computational splicing tools suggest that this variant may not impact RNA splicing. To our knowledge, functional assays have not been performed for this variant. This variant has not been identified in the general population by the Genome Aggregation Database (gnomAD). Available evidence is insufficient to determine the role of this variant in disease conclusively. Therefore, this variant is classified as a Variant of Uncertain Significance.

NM_024675.4(PALB2):c.2509G>C (p.Glu837Gln)

Gene: PALB2 (partner and localizer of BRCA2; minus strand). Cytogenetic location: 16p12.2.
Variant type: single nucleotide variant.
Coding change: c.2509G>C on transcript NM_024675.4 (MANE Select); coding-DNA position 2509, G replaced by C.
Protein change: p.Glu837Gln; replaces glutamic acid 837 with glutamine.
Molecular consequence: missense variant.
Genome position (GRCh38, 1-based): chr16:23,629,645, C>G on the plus strand (G>C on the coding strand, the complement: PALB2 is on the minus strand). VCF-style: chr16-23629645-C-G. GRCh37 (hg19) VCF-style: chr16-23640966-C-G.
Other names: short protein forms E837Q.
Identifiers: ClinVar variation 482038 (VCV000482038.17), dbSNP rs587778587, ClinGen allele CA395123935.